The following is an entry in ClinVar:

ClinVar aggregate classification (germline): Pathogenic (1 of 4 stars; one submission).

Allele frequency attached by ClinVar (database versions not stated): gnomAD 0.00001.
gnomAD v4.1: 4 of 1,613,586 alleles (0.00025%); highest among the groups gnomAD compares: African/African-American, 0.0027%; no homozygotes.

Submission:

Labcorp Genetics (formerly Invitae), Labcorp
Classification: Pathogenic. Last evaluated: 2024-10-14. Review status: criteria provided, single submitter. Criteria: Invitae Variant Classification Sherloc (09022015). Collection method: clinical testing. Allele origin: germline.
Comment: This sequence change creates a premature translational stop signal (p.Gln56*) in the TUBGCP6 gene. It is expected to result in an absent or disrupted protein product. Loss-of-function variants in TUBGCP6 are known to be pathogenic (PMID: 25344692). This variant is present in population databases (no rsID available, gnomAD 0.01%). This variant has not been reported in the literature in individuals affected with TUBGCP6-related conditions. For these reasons, this variant has been classified as Pathogenic.

Literature cited by the submitters: PubMed 25344692.

NM_020461.4(TUBGCP6):c.166C>T (p.Gln56Ter)

Gene: TUBGCP6 (tubulin gamma complex component 6; minus strand). Cytogenetic location: 22q13.33.
Variant type: single nucleotide variant.
Coding change: c.166C>T on transcript NM_020461.4 (MANE Select); coding-DNA position 166, C replaced by T.
Protein change: p.Gln56Ter; replaces glutamine 56 with a stop codon.
Molecular consequence: nonsense.
Genome position (GRCh38, 1-based): chr22:50,244,294, G>A on the plus strand (C>T on the coding strand, the complement: TUBGCP6 is on the minus strand). VCF-style: chr22-50244294-G-A. GRCh37 (hg19) VCF-style: chr22-50682723-G-A.
Other names: short protein forms Q56*.
Identifiers: ClinVar variation 2783846 (VCV002783846.3), dbSNP rs1268163857, ClinGen allele CA412116873.